The following is an entry in ClinVar:

NM_014363.6(SACS):c.5828A>G (p.Tyr1943Cys)

Gene: SACS (sacsin molecular chaperone; minus strand). Cytogenetic location: 13q12.12.
Variant type: single nucleotide variant.
Coding change: c.5828A>G on transcript NM_014363.6 (MANE Select); coding-DNA position 5828, A replaced by G.
Protein change: p.Tyr1943Cys; replaces tyrosine 1943 with cysteine.
Molecular consequence: missense variant.
Genome position (GRCh38, 1-based): chr13:23,338,048, T>C on the plus strand (A>G on the coding strand, the complement: SACS is on the minus strand). VCF-style: chr13-23338048-T-C. GRCh37 (hg19) VCF-style: chr13-23912187-T-C.
Other names: c.5387A>G, p.Tyr1796Cys (NM_001278055.2); c.5828A>G (NM_014363.4); short protein forms Y1796C, Y1943C.
Identifiers: ClinVar variation 3341691 (VCV003341691.17).

ClinVar aggregate classification (germline): Uncertain significance. Review status: criteria provided, multiple submitters, no conflicts (2 of 4 stars). 2 submissions from 2 submitters: Uncertain significance (2). Last evaluated 2026-02-20.

gnomAD v4.1: 6 of 1,613,710 alleles (0.00037%); highest among the groups gnomAD compares: African/African-American, 0.004%; no homozygotes.

Submissions (2):

GeneDx
Classification: Uncertain significance. Last evaluated: 2026-02-20. Review status: criteria provided, single submitter. Criteria: GeneDx Variant Classification Process June 2021. Collection method: clinical testing. Allele origin: germline.
Comment: Not observed at significant frequency in large population cohorts (gnomAD); In silico analysis supports that this missense variant has a deleterious effect on protein structure/function; Has not been previously published as pathogenic or benign to our knowledge

CeGaT Center for Human Genetics Tuebingen
Classification: Uncertain significance. Last evaluated: 2025-03-01. Review status: criteria provided, single submitter. Criteria: CeGaT Center For Human Genetics Tuebingen Variant Classification Criteria Version 2. Collection method: clinical testing. Allele origin: germline. Affected: yes. Observed: 2 variant alleles.
Comment: SACS: PM2